The following is an entry in ClinVar:

ClinVar aggregate classification (germline): Uncertain significance. Review status: criteria provided, multiple submitters, no conflicts (2 of 4 stars). 2 submissions from 2 submitters: Uncertain significance (2). Last evaluated 2025-09-20.

Allele frequency attached by ClinVar (database versions not stated): TOPMed below 0.00001; ExAC 0.00001; gnomAD exomes 0.00001 and 0.00002.
gnomAD v4.1: 10 of 1,612,708 alleles (0.00062%); highest among the groups gnomAD compares: East Asian, 0.018%; no homozygotes.

Submissions (2):

Labcorp Genetics (formerly Invitae), Labcorp
Classification: Uncertain significance. Last evaluated: 2025-09-20. Review status: criteria provided, single submitter. Criteria: Invitae Variant Classification Sherloc (09022015). Collection method: clinical testing. Allele origin: germline.
Comment: This sequence change replaces glycine, which is neutral and non-polar, with valine, which is neutral and non-polar, at codon 1011 of the PLEKHM2 protein (p.Gly1011Val). This variant is present in population databases (rs748976518, gnomAD 0.03%). This variant has not been reported in the literature in individuals affected with PLEKHM2-related conditions. ClinVar contains an entry for this variant (Variation ID: 1505352). An algorithm developed to predict the effect of missense changes on protein structure and function (PolyPhen-2) suggests that this variant is likely to be disruptive. In summary, the available evidence is currently insufficient to determine the role of this variant in disease. Therefore, it has been classified as a Variant of Uncertain Significance.

Ambry Genetics
Classification: Uncertain significance. Last evaluated: 2023-07-25. Review status: criteria provided, single submitter. Criteria: Ambry Variant Classification Scheme 2023. Collection method: clinical testing. Allele origin: germline.

NM_015164.4(PLEKHM2):c.3032G>T (p.Gly1011Val)

Gene: PLEKHM2 (pleckstrin homology and RUN domain containing M2; plus strand). Cytogenetic location: 1p36.21.
Variant type: single nucleotide variant.
Coding change: c.3032G>T on transcript NM_015164.4 (MANE Select); coding-DNA position 3032, G replaced by T.
Protein change: p.Gly1011Val; replaces glycine 1011 with valine.
Molecular consequence: missense variant.
Genome position (GRCh38, 1-based): chr1:15,733,906, G>T. VCF-style: chr1-15733906-G-T. GRCh37 (hg19) VCF-style: chr1-16060401-G-T.
Other names: c.3032G>T (NM_015164.2); short protein forms G1011V.
Identifiers: ClinVar variation 1505352 (VCV001505352.9), dbSNP rs748976518, ClinGen allele CA617438.